The following is an entry in ClinVar:

ClinVar aggregate classification (germline): Uncertain significance (1 of 4 stars; one submission).

Conditions:
Peroxisome biogenesis disorder 5A (Zellweger) (PBD5A). Identifiers: Orphanet 912, MedGen C3553940, MONDO:0013932, OMIM 614866.

gnomAD v4.1: 1 of 1,613,624 alleles (0.000062%); no homozygotes.

Submission:

Labcorp Genetics (formerly Invitae), Labcorp
Classification: Uncertain significance for Peroxisome biogenesis disorder 5A (Zellweger). Last evaluated: 2021-12-20. Review status: criteria provided, single submitter. Criteria: Invitae Variant Classification Sherloc (09022015). Collection method: clinical testing. Allele origin: germline.
Comment: This sequence change replaces asparagine, which is neutral and polar, with lysine, which is basic and polar, at codon 26 of the PEX2 protein (p.Asn26Lys). This variant is not present in population databases (gnomAD no frequency). This variant has not been reported in the literature in individuals affected with PEX2-related conditions. Algorithms developed to predict the effect of missense changes on protein structure and function (SIFT, PolyPhen-2, Align-GVGD) all suggest that this variant is likely to be disruptive. In summary, the available evidence is currently insufficient to determine the role of this variant in disease. Therefore, it has been classified as a Variant of Uncertain Significance.

NM_000318.3(PEX2):c.78C>G (p.Asn26Lys)

Gene: PEX2 (peroxisomal biogenesis factor 2; minus strand). Cytogenetic location: 8q21.13.
Variant type: single nucleotide variant.
Coding change: c.78C>G on transcript NM_000318.3 (MANE Select); coding-DNA position 78, C replaced by G.
Protein change: p.Asn26Lys; replaces asparagine 26 with lysine.
Molecular consequence: missense variant.
Genome position (GRCh38, 1-based): chr8:76,984,101, G>C on the plus strand (C>G on the coding strand, the complement: PEX2 is on the minus strand). VCF-style: chr8-76984101-G-C. GRCh37 (hg19) VCF-style: chr8-77896337-G-C.
Other names: c.78C>G, p.Asn26Lys (NM_001079867.2, NM_001172086.2, NM_001172087.2); short protein forms N26K.
Identifiers: ClinVar variation 1971842 (VCV001971842.2), dbSNP rs2487453784, ClinGen allele CA371558139.
Genomic context (GRCh38, chr8:76,984,101, plus strand): 5'-AGGTTTAAATCCATGAAAGCACTGAGTAAACTGGGACCAAACTAGCTGCTCCAGGGCCTT[G>C]TTTAGTTCAAGTGCATCCAACTGGCTTATTCTTAGCACTCTGTTTGCACTCTTCGCATTC-3'
Protein context (NP_000309.2, residues 16-36): RISQLDALEL[Asn26Lys]KALEQLVWSQ